The following is an entry in ClinVar:

NM_001330195.2(NRXN3):c.4066G>T (p.Asp1356Tyr)

Gene: NRXN3 (neurexin 3; plus strand). Cytogenetic location: 14q31.1.
Variant type: single nucleotide variant.
Coding change: c.4066G>T on transcript NM_001330195.2 (MANE Select); coding-DNA position 4066, G replaced by T.
Protein change: p.Asp1356Tyr; replaces aspartic acid 1356 with tyrosine.
Molecular consequence: missense variant. On other transcripts: non-coding transcript variant (5).
Genome position (GRCh38, 1-based): chr14:79,805,163, G>T. VCF-style: chr14-79805163-G-T. GRCh37 (hg19) VCF-style: chr14-80271506-G-T.
Other names: c.1051G>T, p.Asp351Tyr (NM_001105250.3); c.961G>T, p.Asp321Tyr (NM_001272020.2, NM_138970.5); c.3976G>T, p.Asp1326Tyr (NM_001366425.1); c.4078G>T, p.Asp1360Tyr (NM_001366426.1); c.2857G>T, p.Asp953Tyr (NM_004796.6); short protein forms D1326Y, D1356Y, D1360Y, D321Y, D351Y, D953Y.
Identifiers: ClinVar variation 3902176 (VCV003902176.1).

ClinVar aggregate classification (germline): Uncertain significance (1 of 4 stars; one submission).

Submission:

Women's Health and Genetics/Laboratory Corporation of America, LabCorp
Classification: Uncertain significance. Last evaluated: 2025-05-16. Review status: criteria provided, single submitter. Criteria: LabCorp Variant Classification Summary - May 2015. Collection method: clinical testing. Allele origin: germline.
Comment: Variant summary: NRXN3 c.2857G>T (p.Asp953Tyr) results in a non-conservative amino acid change in the encoded protein sequence. Algorithms developed to predict the effect of missense changes on protein structure and function are either unavailable or do not agree on the potential impact of this missense change. The variant was absent in 251324 control chromosomes. The available data on variant occurrences in the general population are insufficient to allow any conclusion about variant significance. To our knowledge, no occurrence of c.2857G>T in individuals affected with NRXN3-Related Disorders and no experimental evidence demonstrating its impact on protein function have been reported. No submitters have cited clinical-significance assessments for this variant to ClinVar. Based on the evidence outlined above, the variant was classified as uncertain significance.